The following is an entry in ClinVar:

GRCh38/hg38 9q34.3(chr9:137778047-137862670)x1

Genes: EHMT1 (euchromatic histone lysine methyltransferase 1; plus strand), MIR602 (microRNA 602; plus strand), LOC108281115 (9q34.3 EHMT1 distal recombination region; plus strand), LOC130003149 (ATAC-STARR-seq lymphoblastoid active region 29370; plus strand), LOC130003150 (ATAC-STARR-seq lymphoblastoid active region 29371; plus strand) and 1 more. Cytogenetic location: 9q34.3.
Variant type: copy number loss.
Change: copy number 1 (one copy instead of two) of chr9:137,778,047-137,862,670 (84.6 kb, GRCh38 coordinates, 1-based), cytogenetic band 9q34.3.
Identifiers: ClinVar variation 57424 (VCV000057424.1).

ClinVar aggregate classification (germline): Pathogenic (1 of 4 stars; one submission).

Submission:

ISCA site 4
Classification: Pathogenic. Last evaluated: 2011-08-12. Review status: criteria provided, single submitter. Criteria: Kaminsky et al. (Genet Med. 2011). Collection method: clinical testing. Allele origin: unknown. Affected: yes. Observed: 1 variant allele.
Comment: Copy number variation identified through the course of routine clinical cytogenomic testing in postnatal populations. Clinical assertions have been curated as described in Kaminsky et al. 2011.